The following is an entry in ClinVar:

ClinVar aggregate classification (germline): Benign/Likely benign. Review status: criteria provided, multiple submitters, no conflicts (2 of 4 stars). 6 submissions from 6 submitters: Benign (5); Likely benign (1). Last evaluated 2026-02-04.

Conditions:
Susceptibility to respiratory infections associated with CD8alpha chain mutation (IMD116). Also called: Cd8 deficiency, familial; IMMUNODEFICIENCY 116. Identifiers: Orphanet 169085, MedGen C1837065, MONDO:0012161, OMIM 608957.

Allele frequency attached by ClinVar (database versions not stated): 1000 Genomes Project 0.03654; 1000 Genomes Project 30x 0.03670; TOPMed 0.07065; gnomAD 0.07149; ESP Exome Variant Server 0.07727.
gnomAD v4.1: 114,974 of 1,614,066 alleles (7.1%); highest among the groups gnomAD compares: African/African-American, 8.3%; 4,521 homozygotes.

Submissions (6):

Labcorp Genetics (formerly Invitae), Labcorp
Classification: Benign for Susceptibility to respiratory infections associated with CD8alpha chain mutation. Last evaluated: 2026-02-04. Review status: criteria provided, single submitter. Criteria: Invitae Variant Classification Sherloc (09022015). Collection method: clinical testing. Allele origin: germline.

Women's Health and Genetics/Laboratory Corporation of America, LabCorp
Classification: Benign. Last evaluated: 2026-01-21. Review status: criteria provided, single submitter. Criteria: LabCorp Variant Classification Summary - May 2015. Collection method: clinical testing. Allele origin: germline.

Ambry Genetics
Classification: Likely benign. Last evaluated: 2025-01-23. Review status: criteria provided, single submitter. Criteria: Ambry Variant Classification Scheme 2023. Collection method: clinical testing. Allele origin: germline.

Mayo Clinic Laboratories, Mayo Clinic
Classification: Benign. Last evaluated: 2019-03-04. Review status: criteria provided, single submitter. Criteria: ACMG Guidelines, 2015. Collection method: clinical testing. Allele origin: germline. Observed: 15 variant alleles.

Laboratory for Molecular Medicine, Mass General Brigham Personalized Medicine
Classification: Benign. Last evaluated: 2016-03-28. Review status: criteria provided, single submitter. Criteria: LMM Criteria. Collection method: clinical testing. Allele origin: germline.
Comment: Variant identified in a genome or exome case(s) and assessed due to predicted null impact of the variant or pathogenic assertions in the literature or databases. Disclaimer: This variant has not undergone full assessment. The following are preliminary notes: MAF

Breakthrough Genomics
Classification: Benign. Review status: criteria provided, single submitter. Criteria: ACMG Guidelines, 2015. Collection method: not provided. Allele origin: germline. Inheritance: Autosomal recessive inheritance. Affected: yes.

NM_001768.7(CD8A):c.279G>A (p.Arg93=)

Gene: CD8A (CD8 subunit alpha; minus strand). Cytogenetic location: 2p11.2.
Variant type: single nucleotide variant.
Coding change: c.279G>A on transcript NM_001768.7 (MANE Select); coding-DNA position 279, G replaced by A.
Protein change: p.Arg93=; no amino-acid change (arginine 93 retained).
Molecular consequence: synonymous variant. On other transcripts: non-coding transcript variant (3).
Genome position (GRCh38, 1-based): chr2:86,790,452, C>T on the plus strand (G>A on the coding strand, the complement: CD8A is on the minus strand). VCF-style: chr2-86790452-C-T. GRCh37 (hg19) VCF-style: chr2-87017575-C-T.
Other names: p.Arg93=; c.279G>A, p.Arg93= (NM_001382698.1, NM_171827.4, NM_001145873.1); c.279G>A (NM_001768.6).
Identifiers: ClinVar variation 402522 (VCV000402522.17), dbSNP rs2229240, ClinGen allele CA1751235.